The following is an entry in ClinVar:

ClinVar aggregate classification (germline): Uncertain significance (1 of 4 stars; one submission).

Conditions:
Cardiac arrhythmia. Also called: Arrhythmia; Cardiac rhythm disease. Identifiers: MedGen C0003811, MONDO:0007263, HP:0011675.

Submission:

Labcorp Genetics (formerly Invitae), Labcorp
Classification: Uncertain significance for Cardiac arrhythmia. Last evaluated: 2022-12-23. Review status: criteria provided, single submitter. Criteria: Invitae Variant Classification Sherloc (09022015). Collection method: clinical testing. Allele origin: germline.
Comment: A copy number gain of the genomic region encompassing the full coding sequence of the RANGRF gene has been identified. The boundaries of this event are unknown as they extend beyond the assayed region for this gene and therefore may encompass additional genes. As the precise location of this event is unknown, it may be in tandem or it may be located elsewhere in the genome. This variant has not been reported in the literature in individuals affected with RANGRF-related conditions. In summary, the available evidence is currently insufficient to determine the role of this variant in disease. Therefore, it has been classified as a Variant of Uncertain Significance.

NC_000017.10:g.(?_8192107)_(8193254_?)dup

Genes: RANGRF (RAN guanine nucleotide release factor; plus strand), SLC25A35 (solute carrier family 25 member 35; minus strand). Cytogenetic location: 17p13.1.
Variant type: Duplication.
Identifiers: ClinVar variation 2426306 (VCV002426306.4).